The following is an entry in ClinVar:

NM_000400.4(ERCC2):c.2282G>C (p.Ter761Ser)

Gene: ERCC2 (ERCC excision repair 2, TFIIH core complex helicase subunit; minus strand). Cytogenetic location: 19q13.32.
Variant type: single nucleotide variant.
Coding change: c.2282G>C on transcript NM_000400.4 (MANE Select); coding-DNA position 2282, G replaced by C.
Protein change: p.Ter761Ser.
Molecular consequence: stop lost.
Genome position (GRCh38, 1-based): chr19:45,351,630, C>G on the plus strand (G>C on the coding strand, the complement: ERCC2 is on the minus strand). VCF-style: chr19-45351630-C-G. GRCh37 (hg19) VCF-style: chr19-45854888-C-G.
Identifiers: ClinVar variation 1493811 (VCV001493811.7), dbSNP rs966558219, ClinGen allele CA308947509.
Genomic context (GRCh38, chr19:45,351,630, plus strand): 5'-CCAGGGCCAGGCAAGACTCAGGAGTCACCAGGAACCGTTTATGGCCCCACCCGCCCCACT[C>G]AGAGCTGCTGAGCAATCTGCTCTATCCTCTTCAGCGTCTCCTCTGATTCTAGCTGCTCCA-3'

ClinVar aggregate classification (germline): Uncertain significance. Review status: criteria provided, multiple submitters, no conflicts (2 of 4 stars). 3 submissions from 3 submitters: Uncertain significance (3). Last evaluated 2025-07-18.

Conditions:
ERCC2-related disorder. Also called: ERCC2-related disorders; ERCC2-related conditions; ERCC2-related condition. Identifiers: MedGen CN239291.
Trichothiodystrophy 1, photosensitive (TTD1). Also called: TAY SYNDROME; TRICHOTHIODYSTROPHY WITH CONGENITAL ICHTHYOSIS; PIBIDS SYNDROME. Identifiers: Orphanet 33364, MedGen C1866504, MONDO:0011125, OMIM 601675.
Xeroderma pigmentosum, group D (XPD). Also called: XERODERMA PIGMENTOSUM, COMPLEMENTATION GROUP D; ERCC2-Related Xeroderma Pigmentosum; XERODERMA PIGMENTOSUM IV; XP, GROUP D; XP, GROUP H. Identifiers: MedGen C0268138, MONDO:0010212, OMIM 278730.
Cerebrooculofacioskeletal syndrome 2 (COFS2). Identifiers: MedGen C1853102, MONDO:0012553, OMIM 610756.

Allele frequency attached by ClinVar (database versions not stated): gnomAD exomes 0.00001.
gnomAD v4.1: 8 of 1,613,998 alleles (0.0005%); highest among the groups gnomAD compares: East Asian, 0.011%; no homozygotes.

Submissions (3):

Myriad Genetics, Inc.
Classification: Uncertain significance for ERCC2-related disorder. Last evaluated: 2025-07-18. Review status: criteria provided, single submitter. Criteria: Myriad Autosomal Dominant, Autosomal Recessive and X-Linked Classification Criteria (2023). Collection method: clinical testing. Allele origin: unknown.
Comment: NM_000400.3(ERCC2):c.2282G>C(*761Sext*7) is a stop loss variant that results in protein elongation classified as a variant of uncertain significance in the context of ERCC2-related disorders. *761Sext*7 has not been observed in cases with relevant disease. Relevant functional assessments of this variant are not available in the literature. *761Sext*7 has not been observed in referenced population frequency databases. In summary, there is insufficient evidence to classify NM_000400.3(ERCC2):c.2282G>C(*761Sext*7) as pathogenic or benign. Please note: this variant was assessed in the context of healthy population screening.

Fulgent Genetics
Classification: Uncertain significance for Xeroderma pigmentosum, group D; Trichothiodystrophy 1, photosensitive; Cerebrooculofacioskeletal syndrome 2. Last evaluated: 2024-05-04. Review status: criteria provided, single submitter. Criteria: ACMG Guidelines, 2015. Collection method: clinical testing. Allele origin: germline.

Labcorp Genetics (formerly Invitae), Labcorp
Classification: Uncertain significance. Last evaluated: 2021-08-26. Review status: criteria provided, single submitter. Criteria: Invitae Variant Classification Sherloc (09022015). Collection method: clinical testing. Allele origin: germline.
Comment: This sequence change disrupts the translational stop signal of the ERCC2 mRNA. It is expected to extend the length of the ERCC2 protein by 7 additional amino acid residues. This variant is not present in population databases (ExAC no frequency). This variant has not been reported in the literature in individuals affected with ERCC2-related conditions. In summary, the available evidence is currently insufficient to determine the role of this variant in disease. Therefore, it has been classified as a Variant of Uncertain Significance.